The following is an entry in ClinVar:

NM_170601.5(SIAE):c.599G>T (p.Gly200Val)

Gene: SIAE (sialic acid acetylesterase; minus strand). Cytogenetic location: 11q24.2.
Variant type: single nucleotide variant.
Coding change: c.599G>T on transcript NM_170601.5 (MANE Select); coding-DNA position 599, G replaced by T.
Protein change: p.Gly200Val; replaces glycine 200 with valine.
Molecular consequence: missense variant.
Genome position (GRCh38, 1-based): chr11:124,649,742, C>A on the plus strand (G>T on the coding strand, the complement: SIAE is on the minus strand). VCF-style: chr11-124649742-C-A. GRCh37 (hg19) VCF-style: chr11-124519638-C-A.
Other names: c.494G>T, p.Gly165Val (NM_001199922.2); short protein forms G165V, G200V.
Identifiers: ClinVar variation 1427546 (VCV001427546.8), dbSNP rs2134367002, ClinGen allele CA383151156.
Genomic context (GRCh38, chr11:124,649,742, plus strand): 5'-CCGCCCCAGCTGGAGGCGATCAGCCCGATGGGATACTGCAGAGTGTCATAAAGGTGACGT[C>A]CAAAGAGCCAGCACACTGCTGACATGTACTTGAAATATCCATGGCCTAAGTTTTCTGTTC-3'
Protein context (NP_733746.1, residues 190-210): KYMSAVCWLF[Gly200Val]RHLYDTLQYP

ClinVar aggregate classification (germline): Uncertain significance (1 of 4 stars; one submission).

Submission:

Labcorp Genetics (formerly Invitae), Labcorp
Classification: Uncertain significance. Last evaluated: 2021-07-24. Review status: criteria provided, single submitter. Criteria: Invitae Variant Classification Sherloc (09022015). Collection method: clinical testing. Allele origin: germline.
Comment: In summary, the available evidence is currently insufficient to determine the role of this variant in disease. Therefore, it has been classified as a Variant of Uncertain Significance. Algorithms developed to predict the effect of sequence changes on RNA splicing suggest that this variant may create or strengthen a splice site. Algorithms developed to predict the effect of missense changes on protein structure and function (SIFT, PolyPhen-2, Align-GVGD) all suggest that this variant is likely to be disruptive. This variant has not been reported in the literature in individuals affected with SIAE-related conditions. This variant is not present in population databases (ExAC no frequency). This sequence change replaces glycine with valine at codon 200 of the SIAE protein (p.Gly200Val). The glycine residue is highly conserved and there is a moderate physicochemical difference between glycine and valine.